The following is an entry in ClinVar:

ClinVar aggregate classification (germline): Pathogenic (1 of 4 stars; one submission).

Conditions:
Hereditary cancer-predisposing syndrome. Also called: Neoplastic Syndromes, Hereditary; Tumor predisposition; Hereditary neoplastic syndrome; Hereditary Cancer Syndrome. Identifiers: Orphanet 140162, MedGen C0027672, MeSH D009386, MONDO:0015356.

Submission:

Ambry Genetics
Classification: Pathogenic for Hereditary cancer-predisposing syndrome. Last evaluated: 2023-11-16. Review status: criteria provided, single submitter. Criteria: Ambry Variant Classification Scheme 2023. Collection method: clinical testing. Allele origin: germline.
Comment: The c.2060delC pathogenic mutation, located in coding exon 5 of the PALB2 gene, results from a deletion of one nucleotide at nucleotide position 2060, causing a translational frameshift with a predicted alternate stop codon (p.P687Qfs*22). This variant is considered to be rare based on population cohorts in the Genome Aggregation Database (gnomAD). This alteration is expected to result in loss of function by premature protein truncation or nonsense-mediated mRNA decay. As such, this alteration is interpreted as a disease-causing mutation.

NM_024675.4(PALB2):c.2060del (p.Pro687fs)

Gene: PALB2 (partner and localizer of BRCA2; minus strand). Cytogenetic location: 16p12.2.
Variant type: Deletion.
Coding change: c.2060del on transcript NM_024675.4 (MANE Select); coding-DNA position 2060, one base deleted (C; older notation c.2060delC).
Protein change: p.Pro687fs; shifts the reading frame from proline 687.
Molecular consequence: frameshift variant. On other transcripts: intron variant (1).
Genome position (GRCh38, 1-based): chr16:23,630,094, G deleted on the plus strand (C on the coding strand, the reverse complement: PALB2 is on the minus strand); the first of 2 consecutive G bases (chr16:23,630,094-23,630,095); deleting either gives the same sequence. VCF-style (leftmost placement, unchanged base first): chr16-23630093-TG-T. GRCh37 (hg19) VCF-style: chr16-23641414-TG-T.
Other names: c.2000del, p.Pro667fs (NM_001407296.1); c.2060del, p.Pro687fs (NM_001407297.1, NM_001407298.1, NM_001407299.1 and 3 more transcripts); c.1175del, p.Pro392fs (NM_001407304.1, NM_001407305.1, NM_001407306.1 and 5 more transcripts); c.272del, p.Pro91fs (NM_001407312.1, NM_001407313.1); c.49-819del (NM_001407314.1); c.2060delC (NM_024675.3); short protein forms P392fs, P667fs, P687fs, P91fs.
Identifiers: ClinVar variation 3228003 (VCV003228003.1), dbSNP rs2506424378, ClinGen allele CA2825002421.